The following is an entry in ClinVar:

NM_058216.3(RAD51C):c.1026+23G>A

Gene: RAD51C (RAD51 paralog C; plus strand). Cytogenetic location: 17q22.
Variant type: single nucleotide variant.
Coding change: c.1026+23G>A on transcript NM_058216.3 (MANE Select); 23 bases into the intron after coding-DNA position 1026, G replaced by A.
Molecular consequence: intron variant.
Genome position (GRCh38, 1-based): chr17:58,732,567, G>A. VCF-style: chr17-58732567-G-A. GRCh37 (hg19) VCF-style: chr17-56809928-G-A.
Identifiers: ClinVar variation 929796 (VCV000929796.1), dbSNP rs2049475442, ClinGen allele CA1139665739.

ClinVar aggregate classification (germline): Uncertain significance (0 of 4 stars; one submission).

Submission:

Leiden Open Variation Database
Classification: Uncertain significance. Last evaluated: 2011-08-25. Review status: no assertion criteria provided. Collection method: curation. Allele origin: germline. Affected: yes.
Comment: Curator: Arleen D. Auerbach. Submitter to LOVD: Ian Campbell.

Literature cited by the submitters: PubMed 21990120.